The following is an entry in ClinVar:

ClinVar aggregate classification (germline): Benign/Likely benign. Review status: criteria provided, multiple submitters, no conflicts (2 of 4 stars). 3 submissions from 3 submitters: Benign (1); Likely benign (2). Last evaluated 2026-01-01.

Allele frequency attached by ClinVar (database versions not stated): gnomAD 0.00004 and 0.00007; TOPMed 0.00006; 1000 Genomes Project 30x 0.00016; 1000 Genomes Project 0.00020.
gnomAD v4.1: 88 of 1,613,748 alleles (0.0055%); highest among the groups gnomAD compares: South Asian, 0.068%; 2 homozygotes.

Submissions (3):

CeGaT Center for Human Genetics Tuebingen
Classification: Likely benign. Last evaluated: 2026-01-01. Review status: criteria provided, single submitter. Criteria: CeGaT Center For Human Genetics Tuebingen Variant Classification Criteria Version 2. Collection method: clinical testing. Allele origin: germline. Affected: yes. Observed: 1 variant allele.
Comment: ARID1A: BP4, BP7

Labcorp Genetics (formerly Invitae), Labcorp
Classification: Likely benign. Last evaluated: 2025-10-22. Review status: criteria provided, single submitter. Criteria: Invitae Variant Classification Sherloc (09022015). Collection method: clinical testing. Allele origin: germline.

Women's Health and Genetics/Laboratory Corporation of America, LabCorp
Classification: Benign. Last evaluated: 2025-03-25. Review status: criteria provided, single submitter. Criteria: LabCorp Variant Classification Summary - May 2015. Collection method: clinical testing. Allele origin: germline.

NM_006015.6(ARID1A):c.6711G>A (p.Ala2237=)

Gene: ARID1A (AT-rich interaction domain 1A; plus strand). Cytogenetic location: 1p36.11.
Variant type: single nucleotide variant.
Coding change: c.6711G>A on transcript NM_006015.6 (MANE Select); coding-DNA position 6711, G replaced by A.
Protein change: p.Ala2237=; no amino-acid change (alanine 2237 retained).
Molecular consequence: synonymous variant.
Genome position (GRCh38, 1-based): chr1:26,780,609, G>A. VCF-style: chr1-26780609-G-A. GRCh37 (hg19) VCF-style: chr1-27107100-G-A.
Other names: c.6060G>A, p.Ala2020= (NM_139135.4).
Identifiers: ClinVar variation 1657216 (VCV001657216.14), dbSNP rs542602060, ClinGen allele CA707884.